The following is an entry in ClinVar:

ClinVar aggregate classification (germline): Uncertain significance. Review status: criteria provided, multiple submitters, no conflicts (2 of 4 stars). 2 submissions from 2 submitters: Uncertain significance (2). Last evaluated 2026-01-20.

Conditions:
Epidermolysis bullosa simplex with nail dystrophy (EBS5D). Identifiers: MedGen C4225309, MONDO:0014661, OMIM 616487.
Epidermolysis bullosa simplex, Ogna type (EBS5A). Also called: Pidermolysis bullosa simplex 5A, Ogna type; EPIDERMOLYSIS BULLOSA SIMPLEX 5A, OGNA TYPE. Identifiers: Orphanet 79401, MedGen C0432317, MONDO:0007555, OMIM 131950.
Autosomal recessive limb-girdle muscular dystrophy type 2Q (LGMDR17). Also called: MUSCULAR DYSTROPHY, LIMB-GIRDLE, AUTOSOMAL RECESSIVE 17. Identifiers: Orphanet 254361, MedGen C3150989, MONDO:0013390, OMIM 613723.
Epidermolysis bullosa simplex 5C, with pyloric atresia (EBS5C). Also called: PLEC-Related Epidermolysis Bullosa with Pyloric Atresia; Epidermolysis bullosa simplex with pyloric atresia; PLEC1-Related Epidermolysis Bullosa with Pyloric Atresia. Identifiers: Orphanet 158684, MedGen C2677349, MONDO:0012807, OMIM 612138.
Epidermolysis bullosa simplex 5B, with muscular dystrophy (EBS5B). Also called: EPIDERMOLYSIS BULLOSA SIMPLEX AND LIMB-GIRDLE MUSCULAR DYSTROPHY; Epidermolysis bullosa simplex with muscular dystrophy. Identifiers: Orphanet 257, MedGen C2931072, MONDO:0009181, OMIM 226670.

Allele frequency attached by ClinVar (database versions not stated): gnomAD 0.00001; gnomAD exomes 0.00001; ExAC 0.00009.
gnomAD v4.1: 22 of 1,559,492 alleles (0.0014%); highest among the groups gnomAD compares: Admixed American, 0.0018%; no homozygotes.

Submissions (2):

Labcorp Genetics (formerly Invitae), Labcorp
Classification: Uncertain significance for Autosomal recessive limb-girdle muscular dystrophy type 2Q; Epidermolysis bullosa simplex, Ogna type; Epidermolysis bullosa simplex with nail dystrophy; Epidermolysis bullosa simplex 5C, with pyloric atresia; Epidermolysis bullosa simplex 5B, with muscular dystrophy. Last evaluated: 2026-01-20. Review status: criteria provided, single submitter. Criteria: Invitae Variant Classification Sherloc (09022015). Collection method: clinical testing. Allele origin: germline.
Comment: This sequence change replaces glutamine, which is neutral and polar, with glutamic acid, which is acidic and polar, at codon 1618 of the PLEC protein (p.Gln1618Glu). This variant is present in population databases (rs782016001, gnomAD 0.004%). This variant has not been reported in the literature in individuals affected with PLEC-related conditions. ClinVar contains an entry for this variant (Variation ID: 471595). Experimental studies and prediction algorithms are not available or were not evaluated, and the functional significance of this variant is currently unknown. In summary, the available evidence is currently insufficient to determine the role of this variant in disease. Therefore, it has been classified as a Variant of Uncertain Significance.

Revvity Omics, Revvity
Classification: Uncertain significance. Last evaluated: 2024-05-21. Review status: criteria provided, single submitter. Criteria: ACMG Guidelines, 2015. Collection method: clinical testing. Allele origin: germline.

NM_201384.3(PLEC):c.4771C>G (p.Gln1591Glu)

Gene: PLEC (plectin; minus strand). Cytogenetic location: 8q24.3.
Variant type: single nucleotide variant.
Coding change: c.4771C>G on transcript NM_201384.3 (MANE Select); coding-DNA position 4771, C replaced by G.
Protein change: p.Gln1591Glu; replaces glutamine 1591 with glutamic acid.
Molecular consequence: missense variant.
Genome position (GRCh38, 1-based): chr8:143,925,158, G>C on the plus strand (C>G on the coding strand, the complement: PLEC is on the minus strand). VCF-style: chr8-143925158-G-C. GRCh37 (hg19) VCF-style: chr8-144999326-G-C.
Other names: c.4852C>G, p.Gln1618Glu (NM_000445.5); c.4729C>G, p.Gln1577Glu (NM_201378.4); c.4705C>G, p.Gln1569Glu (NM_201379.3); c.5182C>G, p.Gln1728Glu (NM_201380.4); c.4675C>G, p.Gln1559Glu (NM_201381.3); c.4771C>G, p.Gln1591Glu (NM_201382.4); c.4783C>G, p.Gln1595Glu (NM_201383.3); short protein forms Q1559E, Q1569E, Q1591E, Q1577E, Q1728E, Q1595E, Q1618E.
Identifiers: ClinVar variation 471595 (VCV000471595.9), dbSNP rs782016001, ClinGen allele CA4926543.
Genomic context (GRCh38, chr8:143,925,158, plus strand): 5'-CAGCCTCCTCCCGCAGCTGTGCCACAGCCACGTGTTCCTCCTGCAGGGAGCGCTCCAGCT[G>C]TGCCGTCTTCTCGGCGAAGGAGGCGCGTTTGCTCTGCAGCTCCGCCTCTGCACTGCGCTG-3'
Protein context (NP_958786.1, residues 1581-1601): KRASFAEKTA[Gln1591Glu]LERSLQEEHV